The following is an entry in ClinVar:

NM_000256.3(MYBPC3):c.3418T>G (p.Phe1140Val)

Gene: MYBPC3 (myosin binding protein C3; minus strand). Cytogenetic location: 11p11.2.
Variant type: single nucleotide variant.
Coding change: c.3418T>G on transcript NM_000256.3 (MANE Select); coding-DNA position 3418, T replaced by G.
Protein change: p.Phe1140Val; replaces phenylalanine 1140 with valine.
Molecular consequence: missense variant.
Genome position (GRCh38, 1-based): chr11:47,332,886, A>C on the plus strand (T>G on the coding strand, the complement: MYBPC3 is on the minus strand). VCF-style: chr11-47332886-A-C. GRCh37 (hg19) VCF-style: chr11-47354437-A-C.
Other names: short protein forms F1140V.
Identifiers: ClinVar variation 2701792 (VCV002701792.3), dbSNP rs2495738674, ClinGen allele CA380313442.

ClinVar aggregate classification (germline): Uncertain significance (1 of 4 stars; one submission).

Conditions:
Hypertrophic cardiomyopathy. Also called: HYPERTROPHIC MYOCARDIOPATHY. Identifiers: Orphanet 217569, MedGen C0007194, MeSH D002312, MONDO:0005045, HP:0001639.

Submission:

Labcorp Genetics (formerly Invitae), Labcorp
Classification: Uncertain significance for Hypertrophic cardiomyopathy. Last evaluated: 2023-12-09. Review status: criteria provided, single submitter. Criteria: Invitae Variant Classification Sherloc (09022015). Collection method: clinical testing. Allele origin: germline.
Comment: This sequence change replaces phenylalanine, which is neutral and non-polar, with valine, which is neutral and non-polar, at codon 1140 of the MYBPC3 protein (p.Phe1140Val). This variant is not present in population databases (gnomAD no frequency). This variant has not been reported in the literature in individuals affected with MYBPC3-related conditions. An algorithm developed to predict the effect of missense changes on protein structure and function (PolyPhen-2) suggests that this variant is likely to be disruptive. In summary, the available evidence is currently insufficient to determine the role of this variant in disease. Therefore, it has been classified as a Variant of Uncertain Significance.